The following is an entry in ClinVar:

ClinVar aggregate classification (germline): Pathogenic. Review status: criteria provided, multiple submitters, no conflicts (2 of 4 stars). 8 submissions from 8 submitters: Pathogenic (8). Last evaluated 2025-12-15.

Conditions:
Hermansky-Pudlak syndrome (HPS). Also called: ALBINISM WITH HEMORRHAGIC DIATHESIS AND PIGMENTED RETICULOENDOTHELIAL CELLS. Identifiers: Orphanet 79430, MedGen C0079504, MONDO:0019312.
Hermansky-Pudlak syndrome 1 (HPS1). Also called: DELTA STORAGE POOL DISEASE. Identifiers: Orphanet 231500, Orphanet 79430, MedGen C2931875, MONDO:0008748, OMIM 203300.

Allele frequency attached by ClinVar (database versions not stated): gnomAD exomes 0.00001 and below 0.00001; TOPMed below 0.00001; gnomAD 0.00001.
gnomAD v4.1: 4 of 1,613,924 alleles (0.00025%); highest among the groups gnomAD compares: Admixed American, 0.0017%; no homozygotes.

Submissions (8):

Labcorp Genetics (formerly Invitae), Labcorp
Classification: Pathogenic. Last evaluated: 2025-12-15. Review status: criteria provided, single submitter. Criteria: Invitae Variant Classification Sherloc (09022015). Collection method: clinical testing. Allele origin: germline.
Comment: This sequence change creates a premature translational stop signal (p.Arg131*) in the HPS1 gene. It is expected to result in an absent or disrupted protein product. Loss-of-function variants in HPS1 are known to be pathogenic (PMID: 12442288, 16185271). This variant is present in population databases (rs281865076, gnomAD 0.003%). This premature translational stop signal has been observed in individuals with HPS1-related conditions (PMID: 14510955, 21458243). ClinVar contains an entry for this variant (Variation ID: 21104). For these reasons, this variant has been classified as Pathogenic.

Natera, Inc.
Classification: Pathogenic for Hermansky-Pudlak syndrome. Last evaluated: 2025-11-17. Review status: criteria provided, single submitter. Criteria: Natera Variant Classification Schema (03/2026). Collection method: clinical testing. Allele origin: germline.
Comment: The c.391C>T variant in HPS1 is a nonsense variant predicted to introduce a stop codon at amino acid 131. This variant is expected to result in nonsense mediated decay, truncation, or a dysfunctional protein product. This variant is rare in the general population with a frequency below the threshold expected for the associated phenotype(s). This variant has been observed in one or more individuals affected with the associated recessive disease, as either homozygous or compound heterozygous with a second variant (PMID: 32725903). Given the available evidence, this variant is classified as Pathogenic.

Victorian Clinical Genetics Services, Murdoch Childrens Research Institute
Classification: Pathogenic for Hermansky-Pudlak syndrome 1. Last evaluated: 2025-05-29. Review status: criteria provided, single submitter. Criteria: ACMG Guidelines, 2015. Collection method: clinical testing. Allele origin: germline.
Comment: This variant is classified as Pathogenic. Evidence in support of pathogenic classification: Variant is predicted to cause nonsense-mediated decay (NMD) and loss of protein (premature termination codon is located at least 54 nucleotides upstream of the final exon-exon junction); Variant is present in gnomAD <0.01 for a recessive condition (v4: 4 heterozygote(s), 0 homozygote(s)); This variant has moderate previous evidence of pathogenicity in unrelated individuals. This variant has been classified as pathogenic by multiple clinical laboratories in ClinVar; Other NMD-predicted variant(s) comparable to the one identified in this case have very strong previous evidence for pathogenicity (DECIPHER). Additional information: This variant is heterozygous; This gene is associated with autosomal recessive disease; Loss of function is a known mechanism of disease in this gene and is associated with Hermansky-Pudlak syndrome 1 (MIM#203300); Parental origin of the variant is unresolved.

Myriad Genetics, Inc.
Classification: Pathogenic for Hermansky-Pudlak syndrome 1. Last evaluated: 2024-07-04. Review status: criteria provided, single submitter. Criteria: Myriad Autosomal Dominant, Autosomal Recessive and X-Linked Classification Criteria (2023). Collection method: clinical testing. Allele origin: unknown.
Comment: NM_000195.3(HPS1):c.391C>T(R131*) is expected to be pathogenic in the context of Hermansky-Pudlak syndrome, HPS1-related. This variant is predicted to lead to an abnormal or absent protein product due to the creation of a premature termination codon in HPS1, a gene where loss-of-function variants are known to be pathogenic. Please note: this variant was assessed in the context of healthy population screening.

Broad Center for Mendelian Genomics, Broad Institute of MIT and Harvard
Classification: Pathogenic for Hermansky-Pudlak syndrome. Last evaluated: 2021-11-29. Review status: criteria provided, single submitter. Criteria: ACMG Guidelines, 2015. Collection method: curation. Allele origin: germline. Inheritance: Autosomal recessive inheritance.
Comment: The p.Arg131Ter variant in HPS1 has been reported in 2 individuals with Hermansky-Pudlak syndrome (PMID: 14510955, 21458243), and has been identified in 0.003% (1/34584) of Latino/Admixed American chromosomes by the Genome Aggregation Database (gnomAD; dbSNP ID: rs281865076). Although this variant has been seen in the general population in a heterozygous state, its frequency is low enough to be consistent with a recessive carrier frequency. This variant was found to be de novo in 1 individual with confirmed paternity and maternity (PMID: 14510955). Of the 2 affected individuals, 1 was a compound heterozygote that carried a reported pathogenic variant in trans, which increases the likelihood that the p.Arg131Ter variant is pathogenic (VariationID: 5278; PMID: 14510955). This variant has also been reported in ClinVar (Variation ID#: 21104) and has been interpreted as pathogenic by GeneReviews and Invitae. In vitro functional studies provide some evidence that the p.Arg131Ter variant may impact protein function (PMID: 14510955). However, these types of assays may not accurately represent biological function. This nonsense variant leads to a premature termination codon at position 131, which is predicted to lead to a truncated or absent protein. Loss of function of the HPS1 gene is an established disease mechanism in autosomal recessive Hermansky-Pudlak syndrome. In summary, this variant meets criteria to be classified as pathogenic for autosomal recessive Hermansky-Pudlak syndrome. ACMG/AMP Criteria applied: PM3, PM2_supporting, PVS1, PS3_moderate, PS2 (Richards 2015).

Johns Hopkins Genomics, Johns Hopkins University
Classification: Pathogenic for Hermansky-Pudlak syndrome 1. Last evaluated: 2021-10-20. Review status: criteria provided, single submitter. Criteria: ACMG Guidelines, 2015. Collection method: clinical testing. Allele origin: germline.
Comment: HPS1 c.391C>T has been reported in multiple individuals with Hermansky-Pudlak syndrome 1. This variant (rs281865076) is rare (<0.1%) in a large population dataset (gnomAD: 1/251160 total alleles; 0.0004%; no homozygotes) and has been reported in ClinVar. This nonsense variant results in a premature stop codon in exon 5 likely leading to nonsense-mediated decay and lack of protein production. We consider HPS1 c.391C>T to be pathogenic.

Fulgent Genetics
Classification: Pathogenic for Hermansky-Pudlak syndrome 1. Last evaluated: 2021-08-03. Review status: criteria provided, single submitter. Criteria: ACMG Guidelines, 2015. Collection method: clinical testing. Allele origin: unknown.

Juno Genomics, Hangzhou Juno Genomics, Inc
Classification: Pathogenic for Hermansky-Pudlak syndrome 1. Review status: criteria provided, single submitter. Criteria: ACMG Guidelines, 2015. Collection method: clinical testing. Allele origin: germline.
Comment: Absent from controls (or at extremely low frequency if recessive) in Genome Aggregation Database.;Null variant in a gene where loss of function (LOF) is a known mechanism of disease.;For recessive disorders, detected in trans with a pathogenic variant.;Patient's phenotype or family history is highly specific for a disease with a single genetic etiology.

Literature cited by the submitters: PubMed 12442288 (cited by Labcorp Genetics (formerly Invitae), Labcorp and Johns Hopkins Genomics, Johns Hopkins University); PubMed 16185271 (cited by Labcorp Genetics (formerly Invitae), Labcorp); PubMed 14510955 (cited by Labcorp Genetics (formerly Invitae), Labcorp and Johns Hopkins Genomics, Johns Hopkins University); PubMed 21458243 (cited by Labcorp Genetics (formerly Invitae), Labcorp and Johns Hopkins Genomics, Johns Hopkins University); PubMed 32725903 (cited by Natera, Inc.).

NM_000195.5(HPS1):c.391C>T (p.Arg131Ter)

Gene: HPS1 (HPS1 biogenesis of lysosomal organelles complex 3 subunit 1; minus strand). Cytogenetic location: 10q24.2.
Variant type: single nucleotide variant.
Coding change: c.391C>T on transcript NM_000195.5 (MANE Select); coding-DNA position 391, C replaced by T.
Protein change: p.Arg131Ter; replaces arginine 131 with a stop codon.
Molecular consequence: nonsense. On other transcripts: 5 prime UTR variant (2), intron variant (7).
Genome position (GRCh38, 1-based): chr10:98,435,279, G>A on the plus strand (C>T on the coding strand, the complement: HPS1 is on the minus strand). VCF-style: chr10-98435279-G-A. GRCh37 (hg19) VCF-style: chr10-100195036-G-A.
Other names: NM_000195.5(HPS1):c.391C>T; p.Arg131Ter; c.-526C>T (NM_001311345.2); c.391C>T, p.Arg131Ter (NM_001322476.2, NM_001322477.2, NM_001322478.2 and 5 more transcripts); c.-625C>T (NM_001322487.2); c.29+356C>T (NM_001322483.2, NM_001322485.2, NM_001322484.2); c.255+356C>T (NM_001322480.2, NM_001322482.2, NM_001322481.2); c.-519+356C>T (NM_001322489.2); short protein forms R131*.
Identifiers: ClinVar variation 21104 (VCV000021104.35), dbSNP rs281865076, ClinGen allele CA341634.
Genomic context (GRCh38, chr10:98,435,279, plus strand): 5'-GCCCAGCGAGGGTGCTCGGCAAAGGACAGAGGGGACCAGCTTTGAAGACTCACTCCTTTC[G>A]GATAAGATGACCGTCCACAGTCACCAGCCCAAAGTGCACTTCAAACAGGTACTTGAGCAC-3'